The following is an entry in ClinVar:

ClinVar aggregate classification (germline): Uncertain significance (1 of 4 stars; one submission).

Conditions:
Epidermolysis bullosa simplex 5B, with muscular dystrophy (EBS5B). Also called: Epidermolysis bullosa simplex with muscular dystrophy; EPIDERMOLYSIS BULLOSA SIMPLEX AND LIMB-GIRDLE MUSCULAR DYSTROPHY. Identifiers: Orphanet 257, MedGen C2931072, MONDO:0009181, OMIM 226670.
Autosomal recessive limb-girdle muscular dystrophy type 2Q (LGMDR17). Also called: MUSCULAR DYSTROPHY, LIMB-GIRDLE, AUTOSOMAL RECESSIVE 17. Identifiers: Orphanet 254361, MedGen C3150989, MONDO:0013390, OMIM 613723.
Epidermolysis bullosa simplex with nail dystrophy (EBS5D). Identifiers: MedGen C4225309, MONDO:0014661, OMIM 616487.
Epidermolysis bullosa simplex 5C, with pyloric atresia (EBS5C). Also called: Epidermolysis bullosa simplex with pyloric atresia; PLEC-Related Epidermolysis Bullosa with Pyloric Atresia; PLEC1-Related Epidermolysis Bullosa with Pyloric Atresia. Identifiers: Orphanet 158684, MedGen C2677349, MONDO:0012807, OMIM 612138.
Epidermolysis bullosa simplex, Ogna type (EBS5A). Also called: EPIDERMOLYSIS BULLOSA SIMPLEX 5A, OGNA TYPE; Pidermolysis bullosa simplex 5A, Ogna type. Identifiers: Orphanet 79401, MedGen C0432317, MONDO:0007555, OMIM 131950.

Allele frequency attached by ClinVar (database versions not stated): gnomAD exomes 0.00001; TOPMed 0.00001; ExAC 0.00002; ESP Exome Variant Server 0.00008.
gnomAD v4.1: 11 of 1,582,758 alleles (0.00069%); highest among the groups gnomAD compares: Non-Finnish European, 0.00086%; no homozygotes.

Submission:

Labcorp Genetics (formerly Invitae), Labcorp
Classification: Uncertain significance for Autosomal recessive limb-girdle muscular dystrophy type 2Q; Epidermolysis bullosa simplex, Ogna type; Epidermolysis bullosa simplex with nail dystrophy; Epidermolysis bullosa simplex 5C, with pyloric atresia; Epidermolysis bullosa simplex 5B, with muscular dystrophy. Last evaluated: 2025-09-24. Review status: criteria provided, single submitter. Criteria: Invitae Variant Classification Sherloc (09022015). Collection method: clinical testing. Allele origin: germline.
Comment: This sequence change replaces arginine, which is basic and polar, with glutamine, which is neutral and polar, at codon 1197 of the PLEC protein (p.Arg1197Gln). The frequency data for this variant in the population databases is considered unreliable, as metrics indicate poor data quality at this position in the gnomAD database. This variant has not been reported in the literature in individuals affected with PLEC-related conditions. ClinVar contains an entry for this variant (Variation ID: 1502402). Invitae Evidence Modeling of protein sequence and biophysical properties (such as structural, functional, and spatial information, amino acid conservation, physicochemical variation, residue mobility, and thermodynamic stability) indicates that this missense variant is expected to disrupt PLEC protein function with a positive predictive value of 80%. In summary, the available evidence is currently insufficient to determine the role of this variant in disease. Therefore, it has been classified as a Variant of Uncertain Significance.

NM_201384.3(PLEC):c.3509G>A (p.Arg1170Gln)

Gene: PLEC (plectin; minus strand). Cytogenetic location: 8q24.3.
Variant type: single nucleotide variant.
Coding change: c.3509G>A on transcript NM_201384.3 (MANE Select); coding-DNA position 3509, G replaced by A.
Protein change: p.Arg1170Gln; replaces arginine 1170 with glutamine.
Molecular consequence: missense variant.
Genome position (GRCh38, 1-based): chr8:143,927,657, C>T on the plus strand (G>A on the coding strand, the complement: PLEC is on the minus strand). VCF-style: chr8-143927657-C-T. GRCh37 (hg19) VCF-style: chr8-145001825-C-T.
Other names: c.3590G>A, p.Arg1197Gln (NM_000445.5); c.3467G>A, p.Arg1156Gln (NM_201378.4); c.3443G>A, p.Arg1148Gln (NM_201379.3); c.3920G>A, p.Arg1307Gln (NM_201380.4); c.3413G>A, p.Arg1138Gln (NM_201381.3); c.3509G>A, p.Arg1170Gln (NM_201382.4); c.3521G>A, p.Arg1174Gln (NM_201383.3); short protein forms R1307Q, R1197Q, R1138Q, R1148Q, R1156Q, R1170Q, R1174Q.
Identifiers: ClinVar variation 1502402 (VCV001502402.8), dbSNP rs370346095, ClinGen allele CA4927036.